The following is an entry in ClinVar:

ClinVar aggregate classification (germline): Conflicting classifications of pathogenicity. Review status: criteria provided, conflicting classifications (1 of 4 stars). 3 submissions from 3 submitters: Uncertain significance (1); Likely benign (1). 1 of the submissions does not count toward it. Last evaluated 2024-09-14.

Conditions:
Fanconi anemia (FA). Also called: Fanconi's anemia. Identifiers: Orphanet 84, MedGen C0015625, MeSH D005199, MONDO:0019391.
Hereditary cancer-predisposing syndrome. Also called: Neoplastic Syndromes, Hereditary; Tumor predisposition; Hereditary neoplastic syndrome; Hereditary Cancer Syndrome. Identifiers: Orphanet 140162, MedGen C0027672, MeSH D009386, MONDO:0015356.

gnomAD v4.1: 1 of 1,614,122 alleles (0.000062%); highest among the groups gnomAD compares: Non-Finnish European, 0.000085%; no homozygotes.

Submissions (3):

Labcorp Genetics (formerly Invitae), Labcorp
Classification: Uncertain significance for Fanconi anemia. Last evaluated: 2024-09-14. Review status: criteria provided, single submitter. Criteria: Invitae Variant Classification Sherloc (09022015). Collection method: clinical testing. Allele origin: germline.
Comment: This sequence change replaces glutamic acid, which is acidic and polar, with aspartic acid, which is acidic and polar, at codon 178 of the FANCC protein (p.Glu178Asp). This variant is not present in population databases (gnomAD no frequency). This variant has not been reported in the literature in individuals affected with FANCC-related conditions. ClinVar contains an entry for this variant (Variation ID: 825674). Invitae Evidence Modeling of protein sequence and biophysical properties (such as structural, functional, and spatial information, amino acid conservation, physicochemical variation, residue mobility, and thermodynamic stability) indicates that this missense variant is not expected to disrupt FANCC protein function with a negative predictive value of 80%. In summary, the available evidence is currently insufficient to determine the role of this variant in disease. Therefore, it has been classified as a Variant of Uncertain Significance.

Ambry Genetics
Classification: Likely benign for Hereditary cancer-predisposing syndrome. Last evaluated: 2024-03-25. Review status: criteria provided, single submitter. Criteria: Ambry Variant Classification Scheme 2023. Collection method: clinical testing. Allele origin: germline.

Natera, Inc.
Classification: Uncertain significance for Fanconi anemia. Last evaluated: 2018-11-18. Review status: no assertion criteria provided. Collection method: clinical testing. Allele origin: germline. Not counted in ClinVar's aggregate classification.

NM_000136.3(FANCC):c.534G>C (p.Glu178Asp)

Genes: AOPEP (aminopeptidase O (putative); plus strand), FANCC (FA complementation group C; minus strand). Cytogenetic location: 9q22.32.
Variant type: single nucleotide variant.
Coding change: c.534G>C on transcript NM_000136.3 (MANE Select); coding-DNA position 534, G replaced by C.
Protein change: p.Glu178Asp; replaces glutamic acid 178 with aspartic acid.
Molecular consequence: missense variant.
Genome position (GRCh38, 1-based): chr9:95,150,075, C>G on the plus strand (G>C on the coding strand, the complement: FANCC is on the minus strand). VCF-style: chr9-95150075-C-G. GRCh37 (hg19) VCF-style: chr9-97912357-C-G.
Other names: c.534G>C, p.Glu178Asp (NM_001243743.2, NM_001243744.2); short protein forms E178D.
Identifiers: ClinVar variation 825674 (VCV000825674.14), dbSNP rs776694218, ClinGen allele CA374109868.